The following is an entry in ClinVar:

NM_078480.3(PUF60):c.1384A>G (p.Thr462Ala)

Gene: PUF60 (poly(U) binding splicing factor 60; minus strand). Cytogenetic location: 8q24.3.
Variant type: single nucleotide variant.
Coding change: c.1384A>G on transcript NM_078480.3 (MANE Select); coding-DNA position 1384, A replaced by G.
Protein change: p.Thr462Ala; replaces threonine 462 with alanine.
Molecular consequence: missense variant.
Genome position (GRCh38, 1-based): chr8:143,816,816, T>C on the plus strand (A>G on the coding strand, the complement: PUF60 is on the minus strand). VCF-style: chr8-143816816-T-C. GRCh37 (hg19) VCF-style: chr8-144898986-T-C.
Other names: c.1255A>G, p.Thr419Ala (NM_001136033.3); c.1330A>G, p.Thr444Ala (NM_001271096.2); c.1246A>G, p.Thr416Ala (NM_001271097.2); c.1381A>G, p.Thr461Ala (NM_001271098.2); c.1297A>G, p.Thr433Ala (NM_001271099.2); c.1204A>G, p.Thr402Ala (NM_001271100.2); c.1495A>G, p.Thr499Ala (NM_001362895.2, NM_001362896.2); c.1444A>G, p.Thr482Ala (NM_001362897.2); and 2 more; short protein forms T402A, T416A, T419A, T433A, T444A, T445A, T461A, T462A.
Identifiers: ClinVar variation 2435303 (VCV002435303.5), dbSNP rs2538843992, ClinGen allele CA372486147.

ClinVar aggregate classification (germline): Uncertain significance. Review status: criteria provided, multiple submitters, no conflicts (2 of 4 stars). 2 submissions from 2 submitters: Uncertain significance (2). Last evaluated 2025-04-14.

Conditions:
8q24.3 microdeletion syndrome. Also called: CHROMOSOME 8q24.3 DELETION SYNDROME; Verheij syndrome. Identifiers: Orphanet 508488, MedGen C3810023, MONDO:0014263, OMIM 615583.

Submissions (2):

GeneDx
Classification: Uncertain significance. Last evaluated: 2025-04-14. Review status: criteria provided, single submitter. Criteria: GeneDx Variant Classification Process June 2021. Collection method: clinical testing. Allele origin: germline.
Comment: Not observed at significant frequency in large population cohorts (gnomAD); In silico analysis indicates that this missense variant does not alter protein structure/function; Has not been previously published as pathogenic or benign to our knowledge

Revvity Omics, Revvity
Classification: Uncertain significance for 8q24.3 microdeletion syndrome. Last evaluated: 2022-10-18. Review status: criteria provided, single submitter. Criteria: ACMG Guidelines, 2015. Collection method: clinical testing. Allele origin: germline.